The following is an entry in ClinVar:

ClinVar aggregate classification (germline): Likely pathogenic (1 of 4 stars; one submission).

Conditions:
COL1A2-related disorder. Also called: COL1A2-related condition; COL1A2-Related Disorders.

gnomAD v4.1: 1 of 1,587,420 alleles (0.000063%); highest among the groups gnomAD compares: Non-Finnish European, 0.000086%; no homozygotes.

Submission:

PreventionGenetics, part of Exact Sciences
Classification: Likely pathogenic for COL1A2-related condition. Last evaluated: 2025-12-17. Review status: criteria provided, single submitter. Criteria: ACMG Guidelines, 2015. Collection method: clinical testing. Allele origin: germline.
Comment: The COL1A2 c.1333G>A variant is predicted to result in the amino acid substitution p.Gly445Ser. To our knowledge, this variant has not been reported in the literature or in a large population database, indicating this variant is rare. The p.Gly445 residue is located in the conserved Gly-X-Y triple helical domain where substitutions of a glycine are usually pathogenic (Marini et al. 2007. PubMed ID: 17078022). This variant is interpreted as likely pathogenic.

NM_000089.4(COL1A2):c.1333G>A (p.Gly445Ser)

Gene: COL1A2 (collagen type I alpha 2 chain; plus strand). Cytogenetic location: 7q21.3.
Variant type: single nucleotide variant.
Coding change: c.1333G>A on transcript NM_000089.4 (MANE Select); coding-DNA position 1333, G replaced by A.
Protein change: p.Gly445Ser; replaces glycine 445 with serine.
Molecular consequence: missense variant.
Genome position (GRCh38, 1-based): chr7:94,411,137, G>A. VCF-style: chr7-94411137-G-A. GRCh37 (hg19) VCF-style: chr7-94040449-G-A.
Other names: short protein forms G445S.
Identifiers: ClinVar variation 4988185 (VCV004988185.1).